The following is an entry in ClinVar:

ClinVar aggregate classification (germline): Likely pathogenic (1 of 4 stars; one submission).

Conditions:
Developmental and epileptic encephalopathy, 7 (DEE7). Also called: Early infantile epileptic encephalopathy 7; KCNQ2-Related Neonatal Epileptic Encephalopathy; KCNQ2-Related Neonatal-Onset Developmental and Epileptic Encephalopathy (NEO-DEE). Identifiers: Orphanet 439218, MedGen C3150986, MONDO:0013387, OMIM 613720.

Submission:

Suma Genomics
Classification: Likely pathogenic for Developmental and epileptic encephalopathy, 7. Last evaluated: 2026-09-08. Review status: criteria provided, single submitter. Criteria: ACMG Guidelines, 2015. Collection method: clinical testing. Allele origin: germline. Inheritance: Autosomal dominant inheritance. Affected: yes. Observed: 1 variant allele, 1 heterozygote.
Comment: This variant is not observed in the gnomAD database. In-silico analysis tool SpliceAI predicts this variant in KCNQ2 to cause aberrant splicing. Monoallelic disease-causing variants in KCNQ2 are associated with Developmental and epileptic encephalopathy 7 (MIM# 613720), Myokymia/ Seizures, benign neonatal, 1 (MIM# 121200). ACMG classification: Likely pathogenic Criteria met: PVS1: Null variant in a gene where loss of function is a known mechanism of disease PM2_Supporting: Extremely low frequency in gnomAD population databases

NM_172107.4(KCNQ2):c.1526-2A>G

Gene: KCNQ2 (potassium voltage-gated channel subfamily Q member 2; minus strand). Cytogenetic location: 20q13.33.
Variant type: single nucleotide variant.
Coding change: c.1526-2A>G on transcript NM_172107.4 (MANE Select); the canonical splice acceptor site of the intron before coding-DNA position 1526, A replaced by G.
Molecular consequence: splice acceptor variant. On other transcripts: intron variant (3).
Genome position (GRCh38, 1-based): chr20:63,414,195, T>C on the plus strand (A>G on the coding strand, the complement: KCNQ2 is on the minus strand). VCF-style: chr20-63414195-T-C. GRCh37 (hg19) VCF-style: chr20-62045548-T-C.
Other names: c.1442-5A>G (NM_001439004.1); c.1442-2A>G (NM_004518.6); c.1436-5A>G (NM_172108.5); c.1472-5A>G (NM_001439003.1); c.1472-2A>G (NM_172106.3, NM_001382235.1).
Identifiers: ClinVar variation 5016506 (VCV005016506.1).
Genomic context (GRCh38, chr20:63,414,195, plus strand): 5'-CACAAACTCGCAGGGGCAGCTCTTGTCATCCACAATGTCCTCTCCGGGGAGGCTTGCTTC[T>C]GGGGGGAAGGAGACAGGCCGTGAGGGGCCGAGGGGGCCGGGAGACCTATTCCCGGGGTCC-3'